The following is an entry in ClinVar:

NM_005061.3(RPL3L):c.1076_1080del (p.Ala359fs)

Gene: RPL3L (ribosomal protein L3 like; minus strand). Cytogenetic location: 16p13.3.
Variant type: Deletion.
Coding change: c.1076_1080del on transcript NM_005061.3 (MANE Select); coding-DNA positions 1076 to 1080, 5 bases deleted (CCGTG; older notation c.1076_1080delCCGTG).
Protein change: p.Ala359fs; shifts the reading frame from alanine 359.
Molecular consequence: frameshift variant.
Genome position (GRCh38, 1-based): chr16:1,945,586-1,945,590, CACGG deleted on the plus strand (CCGTG on the coding strand, the reverse complement: RPL3L is on the minus strand); deleting any 5 consecutive bases within chr16:1,945,586-1,945,591 gives the same sequence; the c. name uses the placement nearest the transcript's 3' end. VCF-style (leftmost placement, unchanged base first): chr16-1945585-CCACGG-C. GRCh37 (hg19) VCF-style: chr16-1995586-CCACGG-C.
Other names: c.1076_1080del (NM_005061.2); short protein forms A359fs.
Identifiers: ClinVar variation 1199411 (VCV001199411.2), dbSNP rs2150860676, ClinGen allele CA2499223253.
Genomic context (GRCh38, chr16:1,945,585, plus strand): 5'-TCTGGAAGCGGCCATGGCCGAACTTGGAGGTGGTGTCAATGAACTTGAGCTCAATATTCT[CCACGG>C]CTTGGCGACTGTGATGCACCAGGAGGGACTGGGGAATCCATGGTAAAGTAAACATCAAGT-3'

ClinVar aggregate classification (germline): Uncertain significance. Review status: criteria provided, multiple submitters, no conflicts (2 of 4 stars). 2 submissions from 2 submitters: Uncertain significance (2). Last evaluated 2024-02-05.

Conditions:
Cardiomyopathy, dilated, 2D. Identifiers: MedGen C5543535, MONDO:0030300, OMIM 619371.

Submissions (2):

GeneDx
Classification: Uncertain significance. Last evaluated: 2024-02-05. Review status: criteria provided, single submitter. Criteria: GeneDx Variant Classification Process June 2021. Collection method: clinical testing. Allele origin: germline. Affected: yes.
Comment: Identified with a second RPL3L variant in patients with neonatal-onset dilated cardiomyopathy referred for genetic testing at GeneDx and in published literature (PMID: 35323613); Not observed at significant frequency in large population cohorts (gnomAD); Frameshift variant predicted to result in protein truncation or nonsense mediated decay in a gene or region of a gene for which loss of function is not a well-established mechanism of disease; This variant is associated with the following publications: (PMID: 35323613)

HudsonAlpha Institute for Biotechnology
Classification: Uncertain significance for Cardiomyopathy, dilated, 2D. Last evaluated: 2021-06-23. Review status: criteria provided, single submitter. Criteria: ACMG Guidelines, 2015. Collection method: research. Allele origin: paternal. Observed: 1 compound heterozygote. Study: CSER-SouthSeq.
Comment: ACMG codes: PM2; PP4